The following is an entry in ClinVar:

NM_002661.5(PLCG2):c.707C>T (p.Pro236Leu)

Gene: PLCG2 (phospholipase C gamma 2; plus strand). Cytogenetic location: 16q23.3.
Variant type: single nucleotide variant.
Coding change: c.707C>T on transcript NM_002661.5 (MANE Select); coding-DNA position 707, C replaced by T.
Protein change: p.Pro236Leu; replaces proline 236 with leucine.
Molecular consequence: missense variant.
Genome position (GRCh38, 1-based): chr16:81,883,283, C>T. VCF-style: chr16-81883283-C-T. GRCh37 (hg19) VCF-style: chr16-81916888-C-T.
Other names: short protein forms P236L.
Identifiers: ClinVar variation 569216 (VCV000569216.51), dbSNP rs199760975, ClinGen allele CA8193397.

ClinVar aggregate classification (germline): Uncertain significance. Review status: criteria provided, multiple submitters, no conflicts (2 of 4 stars). 4 submissions from 4 submitters: Uncertain significance (4). Last evaluated 2025-12-24.

Conditions:
Familial cold autoinflammatory syndrome 3 (FCAS3). Also called: ANTIBODY DEFICIENCY AND IMMUNE DYSREGULATION, PLCG2-ASSOCIATED; FAMILIAL ATYPICAL COLD URTICARIA. Identifiers: Orphanet 300359, MedGen C3280914, MONDO:0013766, OMIM 614468.

Allele frequency attached by ClinVar (database versions not stated): 1000 Genomes Project 30x 0.00031; gnomAD exomes 0.00034 and 0.00047; TOPMed 0.00035; gnomAD 0.00036 and 0.00038; ExAC 0.00039; 1000 Genomes Project 0.00040; ESP Exome Variant Server 0.00047.
gnomAD v4.1: 735 of 1,614,074 alleles (0.046%); highest among the groups gnomAD compares: Non-Finnish European, 0.058%; 1 homozygote.

Submissions (4):

Labcorp Genetics (formerly Invitae), Labcorp
Classification: Uncertain significance for Familial cold autoinflammatory syndrome 3. Last evaluated: 2025-12-24. Review status: criteria provided, single submitter. Criteria: Invitae Variant Classification Sherloc (09022015). Collection method: clinical testing. Allele origin: germline.
Comment: This sequence change replaces proline, which is neutral and non-polar, with leucine, which is neutral and non-polar, at codon 236 of the PLCG2 protein (p.Pro236Leu). This variant is present in population databases (rs199760975, gnomAD 0.06%), and has an allele count higher than expected for a pathogenic variant. This variant has not been reported in the literature in individuals affected with PLCG2-related conditions. ClinVar contains an entry for this variant (Variation ID: 569216). An algorithm developed to predict the effect of missense changes on protein structure and function (PolyPhen-2) suggests that this variant is likely to be disruptive. In summary, the available evidence is currently insufficient to determine the role of this variant in disease. Therefore, it has been classified as a Variant of Uncertain Significance.

Mayo Clinic Laboratories, Mayo Clinic
Classification: Uncertain significance. Last evaluated: 2025-02-10. Review status: criteria provided, single submitter. Criteria: ACMG Guidelines, 2015. Collection method: clinical testing. Allele origin: germline. Observed: 2 variant alleles.
Comment: BP4

ARUP Laboratories, Molecular Genetics and Genomics, ARUP Laboratories
Classification: Uncertain significance. Last evaluated: 2023-12-22. Review status: criteria provided, single submitter. Criteria: ARUP Molecular Germline Variant Investigation Process 2024. Collection method: clinical testing. Allele origin: germline.
Comment: The PLCG2 c.707C>T; p.Pro236Leu variant (rs199760975), to our knowledge, is not reported in the medical literature but is reported in ClinVar (Variation ID: 569216). It is observed in the general population with an overall allele frequency of 0.03% (89/280944 alleles) in the Genome Aggregation Database (v2.1.1). Computational analyses are uncertain whether this variant is neutral or deleterious (REVEL: 0.19). Due to limited information, the clinical significance of this variant is uncertain at this time.

CeGaT Center for Human Genetics Tuebingen
Classification: Uncertain significance. Last evaluated: 2021-07-01. Review status: criteria provided, single submitter. Criteria: CeGaT Center For Human Genetics Tuebingen Variant Classification Criteria Version 2. Collection method: clinical testing. Allele origin: germline. Affected: yes. Observed: 1 variant allele.